The following is an entry in ClinVar:

ClinVar aggregate classification (germline): Conflicting classifications of pathogenicity. Review status: criteria provided, conflicting classifications (1 of 4 stars). 2 submissions from 2 submitters: Uncertain significance (1); Likely benign (1). Last evaluated 2026-07-17.

Conditions:
RASopathy. Also called: rasopathies; Noonan spectrum disorder. Identifiers: Orphanet 536391, MedGen C5555857, MONDO:0021060.
Cardiovascular phenotype. Identifiers: MedGen CN230736.

Allele frequency attached by ClinVar (database versions not stated): ExAC below 0.00001; gnomAD exomes 0.00001; TOPMed 0.00002.
gnomAD v4.1: 8 of 1,572,358 alleles (0.00051%); highest among the groups gnomAD compares: Non-Finnish European, 0.00069%; no homozygotes.

Submissions (2):

Ambry Genetics
Classification: Uncertain significance for Cardiovascular phenotype. Last evaluated: 2026-07-17. Review status: criteria provided, single submitter. Criteria: Ambry Variant Classification Scheme 2023. Collection method: clinical testing. Allele origin: germline.
Comment: The c.681C>T (p.F227F) alteration is located in exon 6 (coding exon 6) of the MAP2K2 gene. This alteration consists of a C to T substitution at nucleotide position 681. This nucleotide substitution does not change the amino acid at codon 227. However, this change occurs in the last nucleotide of Exon 6 (c.581_705) which makes it likely to have some effect on normal mRNA splicing. Based on data from gnomAD, the T allele has an overall frequency of <0.001% (1/187476) total alleles studied. The highest observed frequency was 0.001% (1/79386) of European (non-Finnish) alleles. Based on insufficient or conflicting evidence, the clinical significance of this alteration remains unclear.

Labcorp Genetics (formerly Invitae), Labcorp
Classification: Likely benign for RASopathy. Last evaluated: 2025-04-21. Review status: criteria provided, single submitter. Criteria: Invitae Variant Classification Sherloc (09022015). Collection method: clinical testing. Allele origin: germline.

Literature cited by the submitters: PubMed 33057194 (cited by Ambry Genetics).

NM_030662.4(MAP2K2):c.681C>T (p.Phe227=)

Gene: MAP2K2 (mitogen-activated protein kinase kinase 2; minus strand). Cytogenetic location: 19p13.3.
Variant type: single nucleotide variant.
Coding change: c.681C>T on transcript NM_030662.4 (MANE Select); coding-DNA position 681, C replaced by T.
Protein change: p.Phe227=; no amino-acid change (phenylalanine 227 retained).
Molecular consequence: synonymous variant.
Genome position (GRCh38, 1-based): chr19:4,101,043, G>A on the plus strand (C>T on the coding strand, the complement: MAP2K2 is on the minus strand). VCF-style: chr19-4101043-G-A. GRCh37 (hg19) VCF-style: chr19-4101041-G-A.
Identifiers: ClinVar variation 699140 (VCV000699140.11), dbSNP rs751129624, ClinGen allele CA9090857.